The following is an entry in ClinVar:

ClinVar aggregate classification (germline): Uncertain significance. Review status: criteria provided, single submitter (1 of 4 stars). 2 submissions from 2 submitters: Uncertain significance (1). 1 of the submissions does not count toward it. Last evaluated 2024-12-20.

Conditions:
NFKB2-related disorder. Also called: NFKB2-related condition.
Immunodeficiency, common variable, 10. Also called: IMMUNODEFICIENCY, COMMON VARIABLE, WITH CENTRAL ADRENAL INSUFFICIENCY; DEFICIT IN ANTERIOR PITUITARY FUNCTION AND VARIABLE IMMUNODEFICIENCY. Identifiers: MedGen C3809991, MONDO:0014260, OMIM 615577.

Allele frequency attached by ClinVar (database versions not stated): gnomAD 0.00001; gnomAD exomes 0.00001; TOPMed 0.00004.
gnomAD v4.1: 18 of 1,496,866 alleles (0.0012%); highest among the groups gnomAD compares: Admixed American, 0.0093%; no homozygotes.

Submissions (2):

Labcorp Genetics (formerly Invitae), Labcorp
Classification: Uncertain significance for Immunodeficiency, common variable, 10. Last evaluated: 2024-12-20. Review status: criteria provided, single submitter. Criteria: Invitae Variant Classification Sherloc (09022015). Collection method: clinical testing. Allele origin: germline.
Comment: This sequence change replaces proline, which is neutral and non-polar, with leucine, which is neutral and non-polar, at codon 434 of the NFKB2 protein (p.Pro434Leu). This variant is present in population databases (no rsID available, gnomAD no frequency). This missense change has been observed in individual(s) with NFKB2-related conditions (PMID: 35753512). ClinVar contains an entry for this variant (Variation ID: 653061). An algorithm developed to predict the effect of missense changes on protein structure and function outputs the following: PolyPhen-2: "Benign". The leucine amino acid residue is found in multiple mammalian species, which suggests that this missense change does not adversely affect protein function. In summary, the available evidence is currently insufficient to determine the role of this variant in disease. Therefore, it has been classified as a Variant of Uncertain Significance.

PreventionGenetics, part of Exact Sciences
Classification: Uncertain significance for NFKB2-related condition. Last evaluated: 2024-03-11. Review status: no assertion criteria provided. Collection method: clinical testing. Allele origin: germline. Not counted in ClinVar's aggregate classification.
Comment: The NFKB2 c.1301C>T variant is predicted to result in the amino acid substitution p.Pro434Leu. This variant has been reported in the heterozygous state in an individual with features of common variable immunodeficiency (Table E3, ID P0001006, Similuk et al. 2022. PubMed ID: 35753512). This variant has not been reported in a large population database. At this time, the clinical significance of this variant is uncertain due to the absence of conclusive functional and genetic evidence.

Literature cited by the submitters: PubMed 35753512 (cited by Labcorp Genetics (formerly Invitae), Labcorp).

NM_001322934.2(NFKB2):c.1301C>T (p.Pro434Leu)

Genes: NFKB2 (nuclear factor kappa B subunit 2; plus strand), LOC130004599 (ATAC-STARR-seq lymphoblastoid silent region 2756; plus strand). Cytogenetic location: 10q24.32.
Variant type: single nucleotide variant.
Coding change: c.1301C>T on transcript NM_001322934.2 (MANE Select); coding-DNA position 1301, C replaced by T.
Protein change: p.Pro434Leu; replaces proline 434 with leucine.
Molecular consequence: missense variant.
Genome position (GRCh38, 1-based): chr10:102,399,471, C>T. VCF-style: chr10-102399471-C-T. GRCh37 (hg19) VCF-style: chr10-104159228-C-T.
Other names: c.1301C>T, p.Pro434Leu (LRG_1347t1, NM_001077494.3, NM_001261403.3 and 2 more transcripts); c.1175C>T, p.Pro392Leu (NM_001322935.1); short protein forms P434L, P392L.
Identifiers: ClinVar variation 653061 (VCV000653061.10), dbSNP rs1024428958, ClinGen allele CA212215800.
Genomic context (GRCh38, chr10:102,399,471, plus strand): 5'-GGGACTCCGGGGAGGAAGCCGCGGAGCCAAGCGCCCCCTCCAGGACCCCCCAGTGCGAGC[C>T]GCAGGCCCCGGAGATGCTGCAGCGAGGTATGGACTCCGGGGCACGGGCGGTCGGGGCGCC-3'
Protein context (NP_001309863.1, residues 424-444): SAPSRTPQCE[Pro434Leu]QAPEMLQRAR